The following is an entry in ClinVar:

NM_025137.4(SPG11):c.4339C>T (p.Gln1447Ter)

Gene: SPG11 (SPG11 vesicle trafficking associated, spatacsin; minus strand). Cytogenetic location: 15q21.1.
Variant type: single nucleotide variant.
Coding change: c.4339C>T on transcript NM_025137.4 (MANE Select); coding-DNA position 4339, C replaced by T.
Protein change: p.Gln1447Ter; replaces glutamine 1447 with a stop codon.
Molecular consequence: nonsense.
Genome position (GRCh38, 1-based): chr15:44,596,178, G>A on the plus strand (C>T on the coding strand, the complement: SPG11 is on the minus strand). VCF-style: chr15-44596178-G-A. GRCh37 (hg19) VCF-style: chr15-44888376-G-A.
Other names: c.4339C>T, p.Gln1447Ter (NM_001160227.2, NM_001411132.1); short protein forms Q1447*.
Identifiers: ClinVar variation 2095237 (VCV002095237.5), dbSNP rs2505369754, ClinGen allele CA392227662.

ClinVar aggregate classification (germline): Pathogenic/Likely pathogenic. Review status: criteria provided, multiple submitters, no conflicts (2 of 4 stars). 2 submissions from 2 submitters: Pathogenic (1); Likely pathogenic (1). Last evaluated 2024-04-30.

Conditions:
Amyotrophic lateral sclerosis type 5 (ALS5). Also called: AMYOTROPHIC LATERAL SCLEROSIS 5, JUVENILE. Identifiers: Orphanet 300605, MedGen C1865864, MONDO:0011196, OMIM 602099.
Hereditary spastic paraplegia 11. Also called: Spastic paraplegia, mental retardation and thin corpus callosum; Spastic Paraplegia 11; Nakamura Osame syndrome; Autosomal recessive hereditary spastic paraplegia, mental impairment, and thin corpus callosum; SPASTIC PARAPLEGIA, AUTOSOMAL RECESSIVE, COMPLICATED, WITH THIN CORPUS CALLOSUM; SPASTIC PARAPLEGIA, AUTOSOMAL RECESSIVE, WITH MENTAL IMPAIRMENT AND THIN CORPUS CALLOSUM. Identifiers: Orphanet 2822, MedGen C1858479, MONDO:0011445, OMIM 604360.
Charcot-Marie-Tooth disease axonal type 2X. Also called: CHARCOT-MARIE-TOOTH DISEASE, AXONAL, AUTOSOMAL RECESSIVE, TYPE 2X; CHARCOT-MARIE-TOOTH NEUROPATHY, TYPE 2X. Identifiers: Orphanet 466775, MedGen C5569024, MONDO:0014726, OMIM 616668.

Allele frequency attached by ClinVar (database versions not stated): gnomAD exomes below 0.00001.
gnomAD v4.1: 1 of 1,614,142 alleles (0.000062%); highest among the groups gnomAD compares: Non-Finnish European, 0.000085%; no homozygotes.

Submissions (2):

Fulgent Genetics
Classification: Likely pathogenic for Amyotrophic lateral sclerosis type 5; Hereditary spastic paraplegia 11; Charcot-Marie-Tooth disease axonal type 2X. Last evaluated: 2024-04-30. Review status: criteria provided, single submitter. Criteria: ACMG Guidelines, 2015. Collection method: clinical testing. Allele origin: germline.

Labcorp Genetics (formerly Invitae), Labcorp
Classification: Pathogenic for Hereditary spastic paraplegia 11. Last evaluated: 2022-02-08. Review status: criteria provided, single submitter. Criteria: Invitae Variant Classification Sherloc (09022015). Collection method: clinical testing. Allele origin: germline.
Comment: This sequence change creates a premature translational stop signal (p.Gln1447*) in the SPG11 gene. It is expected to result in an absent or disrupted protein product. Loss-of-function variants in SPG11 are known to be pathogenic (PMID: 19105190, 20110243, 22154821, 26556829). This variant is not present in population databases (gnomAD no frequency). This variant has not been reported in the literature in individuals affected with SPG11-related conditions. For these reasons, this variant has been classified as Pathogenic.

Literature cited by the submitters: PubMed 19105190 (cited by Labcorp Genetics (formerly Invitae), Labcorp); PubMed 20110243 (cited by Labcorp Genetics (formerly Invitae), Labcorp); PubMed 22154821 (cited by Labcorp Genetics (formerly Invitae), Labcorp); PubMed 26556829 (cited by Labcorp Genetics (formerly Invitae), Labcorp).